The following is an entry in ClinVar:

NM_022114.4(PRDM16):c.2741T>C (p.Met914Thr)

Gene: PRDM16 (PR/SET domain 16; plus strand). Cytogenetic location: 1p36.32.
Variant type: single nucleotide variant.
Coding change: c.2741T>C on transcript NM_022114.4 (MANE Select); coding-DNA position 2741, T replaced by C.
Protein change: p.Met914Thr; replaces methionine 914 with threonine.
Molecular consequence: missense variant.
Genome position (GRCh38, 1-based): chr1:3,417,877, T>C. VCF-style: chr1-3417877-T-C. GRCh37 (hg19) VCF-style: chr1-3334441-T-C.
Other names: c.2741T>C, p.Met914Thr (NM_199454.3); short protein forms M914T.
Identifiers: ClinVar variation 241427 (VCV000241427.18), dbSNP rs201304831, ClinGen allele CA544590.
Genomic context (GRCh38, chr1:3,417,877, plus strand): 5'-TATGCCTACAGATGTCAGCCATAGAGACCATGACAGAGAAGCTGGAGAGCTTTGCAGCCA[T>C]GAAGGCGGACTCGGGCAGCTCCCTGCAGCCCCTCCCCCACCACCCCTTCAACTTCCGGTC-3'
Protein context (NP_071397.3, residues 904-924): MTEKLESFAA[Met914Thr]KADSGSSLQP

ClinVar aggregate classification (germline): Conflicting classifications of pathogenicity. Review status: criteria provided, conflicting classifications (1 of 4 stars). 5 submissions from 5 submitters: Uncertain significance (1); Likely benign (4). Last evaluated 2026-05-28.

Conditions:
PRDM16-related disorder. Also called: PRDM16-related condition.
Inborn genetic diseases. Identifiers: MedGen C0950123, MeSH D030342.
Left ventricular noncompaction 8 (LVNC8). Identifiers: Orphanet 154, Orphanet 54260, MedGen C3809288, MONDO:0014152, OMIM 615373.

Allele frequency attached by ClinVar (database versions not stated): ExAC 0.00009; 1000 Genomes Project 30x 0.00031; 1000 Genomes Project 0.00040; gnomAD 0.00043 and 0.00045; TOPMed 0.00048; ESP Exome Variant Server 0.00080.
gnomAD v4.1: 118 of 1,613,886 alleles (0.0073%); highest among the groups gnomAD compares: African/African-American, 0.14%; 1 homozygote.

Submissions (5):

PreventionGenetics, part of Exact Sciences
Classification: Likely benign for PRDM16-related condition. Last evaluated: 2026-05-28. Review status: criteria provided, single submitter. Criteria: ACMG Guidelines, 2015. Collection method: clinical testing. Allele origin: germline.
Comment: This variant is classified as likely benign based on ACMG/AMP sequence variant interpretation guidelines (Richards et al. 2015 PMID: 25741868, with internal and published modifications).

Women's Health and Genetics/Laboratory Corporation of America, LabCorp
Classification: Likely benign. Last evaluated: 2026-05-25. Review status: criteria provided, single submitter. Criteria: LabCorp Variant Classification Summary - May 2015. Collection method: clinical testing. Allele origin: germline.

Labcorp Genetics (formerly Invitae), Labcorp
Classification: Likely benign for Left ventricular noncompaction 8. Last evaluated: 2025-12-16. Review status: criteria provided, single submitter. Criteria: Invitae Variant Classification Sherloc (09022015). Collection method: clinical testing. Allele origin: germline.

Ambry Genetics
Classification: Uncertain significance for Inborn genetic diseases. Last evaluated: 2025-04-09. Review status: criteria provided, single submitter. Criteria: Ambry Variant Classification Scheme 2023. Collection method: clinical testing. Allele origin: germline.

GeneDx
Classification: Likely benign. Last evaluated: 2020-05-18. Review status: criteria provided, single submitter. Criteria: GeneDx Variant Classification Process June 2021. Collection method: clinical testing. Allele origin: germline. Affected: yes.